The following is an entry in ClinVar:

ClinVar aggregate classification (germline): Uncertain significance (1 of 4 stars; one submission).

Submission:

Labcorp Genetics (formerly Invitae), Labcorp
Classification: Uncertain significance. Last evaluated: 2023-11-19. Review status: criteria provided, single submitter. Criteria: Invitae Variant Classification Sherloc (09022015). Collection method: clinical testing. Allele origin: germline.
Comment: This sequence change replaces lysine, which is basic and polar, with asparagine, which is neutral and polar, at codon 273 of the HOXB13 protein (p.Lys273Asn). This variant is not present in population databases (gnomAD no frequency). This variant has not been reported in the literature in individuals affected with HOXB13-related conditions. Advanced modeling of protein sequence and biophysical properties (such as structural, functional, and spatial information, amino acid conservation, physicochemical variation, residue mobility, and thermodynamic stability) has been performed at Invitae for this missense variant, however the output from this modeling did not meet the statistical confidence thresholds required to predict the impact of this variant on HOXB13 protein function. In summary, the available evidence is currently insufficient to determine the role of this variant in disease. Therefore, it has been classified as a Variant of Uncertain Significance.

NM_006361.6(HOXB13):c.819G>C (p.Lys273Asn)

Gene: HOXB13 (homeobox B13; minus strand). Cytogenetic location: 17q21.32.
Variant type: single nucleotide variant.
Coding change: c.819G>C on transcript NM_006361.6 (MANE Select); coding-DNA position 819, G replaced by C.
Protein change: p.Lys273Asn; replaces lysine 273 with asparagine.
Molecular consequence: missense variant.
Genome position (GRCh38, 1-based): chr17:48,726,826, C>G on the plus strand (G>C on the coding strand, the complement: HOXB13 is on the minus strand). VCF-style: chr17-48726826-C-G. GRCh37 (hg19) VCF-style: chr17-46804188-C-G.
Other names: short protein forms K273N.
Identifiers: ClinVar variation 3014739 (VCV003014739.3), dbSNP rs1163383938, ClinGen allele CA400105411.